The following is an entry in ClinVar:

ClinVar aggregate classification (germline): Uncertain significance (1 of 4 stars; one submission).

Conditions:
Early-infantile DEE. Also called: Early infantile epileptic encephalopathy; Ohtahara syndrome; Early infantile epileptic encephalopathy with suppression bursts. Identifiers: Orphanet 1934, MedGen C0393706, MONDO:0800491.

Submission:

Labcorp Genetics (formerly Invitae), Labcorp
Classification: Uncertain significance for Early-infantile DEE. Last evaluated: 2024-06-29. Review status: criteria provided, single submitter. Criteria: Invitae Variant Classification Sherloc (09022015). Collection method: clinical testing. Allele origin: germline.
Comment: This sequence change replaces serine, which is neutral and polar, with threonine, which is neutral and polar, at codon 1770 of the SCN8A protein (p.Ser1770Thr). This variant is not present in population databases (gnomAD no frequency). This variant has not been reported in the literature in individuals affected with SCN8A-related conditions. Advanced modeling of protein sequence and biophysical properties (such as structural, functional, and spatial information, amino acid conservation, physicochemical variation, residue mobility, and thermodynamic stability) has been performed at Invitae for this missense variant, however the output from this modeling did not meet the statistical confidence thresholds required to predict the impact of this variant on SCN8A protein function. In summary, the available evidence is currently insufficient to determine the role of this variant in disease. Therefore, it has been classified as a Variant of Uncertain Significance.

NM_001330260.2(SCN8A):c.5309G>C (p.Ser1770Thr)

Gene: SCN8A (sodium voltage-gated channel alpha subunit 8; plus strand). Cytogenetic location: 12q13.13.
Variant type: single nucleotide variant.
Coding change: c.5309G>C on transcript NM_001330260.2 (MANE Select); coding-DNA position 5309, G replaced by C.
Protein change: p.Ser1770Thr; replaces serine 1770 with threonine.
Molecular consequence: missense variant.
Genome position (GRCh38, 1-based): chr12:51,806,795, G>C. VCF-style: chr12-51806795-G-C. GRCh37 (hg19) VCF-style: chr12-52200579-G-C.
Other names: c.5186G>C, p.Ser1729Thr (NM_001177984.3, NM_001369788.1); c.5309G>C, p.Ser1770Thr (NM_014191.4); short protein forms S1770T, S1729T.
Identifiers: ClinVar variation 3635214 (VCV003635214.2).